The following continues an entry in ClinVar:

NM_007294.4(BRCA1):c.3710del (p.Ile1237fs)

ClinVar aggregate classification (germline): Pathogenic. Pathogenic (1).

Submissions 11 to 20 of 20:

Laboratory for Molecular Medicine, Mass General Brigham Personalized Medicine
Classification: Pathogenic for Hereditary breast ovarian cancer syndrome. Last evaluated: 2020-06-19. Review status: criteria provided, single submitter. Criteria: ACMG Guidelines, 2015. Collection method: clinical testing. Allele origin: germline. Not counted in ClinVar's aggregate classification.
Comment: The p.Ile1237AsnfsX27 variant in BRCA1 has been reported in >65 individuals with BRCA1-related cancers (first published by Johannsson, 1996 PMID: 8644702). It was absent from large population studies. This variant was classified as Pathogenic on 09/08/16 by the ClinGen-approved ENIGMA expert panel (Variation ID 54972). This variant is predicted to cause a frameshift, which alters the protein’s amino acid sequence beginning at position 1237 and leads to a premature termination codon 27 amino acids downstream. This alteration is then predicted to lead to a truncated or absent protein. Loss of function of the BRCA1 gene is an established disease mechanism in autosomal dominant hereditary breast and ovarian cancer (HBOC). Another variant additional variants involving this codon (c.3710_3711delTA, p.Ile1237Thrfs*6) has been identified in individuals with HBOC and is classified as pathogenic by other laboratories. In summary, this variant meets criteria to be classified as pathogenic for autosomal dominant HBOC. ACMG/AMP Criteria applied: PVS1, PM2, PS4.

ARUP Laboratories, Molecular Genetics and Genomics, ARUP Laboratories
Classification: Pathogenic. Last evaluated: 2019-07-25. Review status: criteria provided, single submitter. Criteria: ARUP Molecular Germline Variant Investigation Process. Collection method: clinical testing. Allele origin: germline. Not counted in ClinVar's aggregate classification.
Comment: The BRCA1 c.3710delT; p.Ile1237fs variant (rs80357564), also known as 3829delT, is reported in the literature in individuals with breast and ovarian cancer syndrome (Heramb 2018, Johannsson 1996, Safra 2013). This variant is also reported as pathogenic in ClinVar (Variation ID: 54972). It is absent from general population databases (Exome Variant Server, Genome Aggregation Database), indicating it is not a common polymorphism. This variant causes a frameshift by deleting a single nucleotide, so it is predicted to result in a truncated protein or mRNA subject to nonsense-mediated decay. Based on available information, this variant is considered to be pathogenic. REFERENCES Heramb C et al. BRCA1 and BRCA2 mutation spectrum - an update on mutation distribution in a large cancer genetics clinic in Norway. Hered Cancer Clin Pract. 2018 Jan 10;16:3. Johannsson O et al. Founding BRCA1 mutations in hereditary breast and ovarian cancer in southern Sweden. Am J Hum Genet. 1996 Mar;58(3):441-50. Safra T et al. BRCA mutations and outcome in epithelial ovarian cancer (EOC): experience in ethnically diverse groups. Ann Oncol. 2013 Nov;24 Suppl 8:viii63-viii68.

Women's Health and Genetics/Laboratory Corporation of America, LabCorp
Classification: Pathogenic for Hereditary breast and ovarian cancer syndrome. Last evaluated: 2018-11-08. Review status: criteria provided, single submitter. Criteria: LabCorp Variant Classification Summary - May 2015. Collection method: clinical testing. Allele origin: germline. Not counted in ClinVar's aggregate classification.
Comment: Variant summary: BRCA1 c.3710delT (p.Ile1237AsnfsX27) results in a premature termination codon, predicted to cause a truncation of the encoded protein or absence of the protein due to nonsense mediated decay, which are commonly known mechanisms for disease. Truncations downstream of this position have been classified as pathogenic by our laboratory (eg. p.Glu1250X, p.Ser1253fsX10, p.Lys1254X). The variant was absent in 246022 control chromosomes (gnomAD). c.3710delT has been reported in the literature in multiple individuals affected with Hereditary Breast and Ovarian Cancer (Kurian_2008, Malander_2003, Thomassen_2008). These data indicate that the variant is very likely to be associated with disease. Four ClinVar submissions from clinical diagnostic laboratories (evaluation after 2014) cite the variant as pathogenic. Based on the evidence outlined above, the variant was classified as pathogenic.

GeneDx
Classification: Pathogenic. Last evaluated: 2017-09-21. Review status: criteria provided, single submitter. Criteria: GeneDx Variant Classification (06012015). Collection method: clinical testing. Allele origin: germline. Affected: yes. Not counted in ClinVar's aggregate classification.
Comment: This deletion of one nucleotide in BRCA1 is denoted c.3710delT at the cDNA level and p.Ile1237AsnfsX27 (I1237NfsX27) at the protein level. The normal sequence, with the base that is deleted in brackets, is AATA[delT]ACCT. The deletion causes a frameshift which changes an Isoleucine to an Asparagine at codon 1237, and creates a premature stop codon at position 27 of the new reading frame. This variant is predicted to cause loss of normal protein function through either protein truncation or nonsense-mediated mRNA decay. BRCA1 c.3710delT, also defined as BRCA1 3829delT using alternate nomenclature, has been reported in association with hereditary breast and ovarian cancer syndrome and has been reported as a recurrent variant in Scandinavian populations (Johannsson 1996, Loman 2001, Malander 2004, Thomassen 2008). We consider this variant to be pathogenic.

Consortium of Investigators of Modifiers of BRCA1/2 (CIMBA), c/o University of Cambridge
Classification: Pathogenic for Breast-ovarian cancer, familial, susceptibility to, 1. Last evaluated: 2015-10-02. Review status: criteria provided, single submitter. Criteria: CIMBA Mutation Classification guidelines May 2016. Collection method: clinical testing. Allele origin: germline. Not counted in ClinVar's aggregate classification.

Department of Medical Genetics, Oslo University Hospital
Classification: Pathogenic for Breast-ovarian cancer, familial, susceptibility to, 1. Last evaluated: 2015-07-01. Review status: criteria provided, single submitter. Criteria: ACMG Guidelines, 2015. Collection method: clinical testing. Allele origin: germline. Affected: yes. Observed: 6 variant alleles. Not counted in ClinVar's aggregate classification.

BRCAlab, Lund University
Classification: Pathogenic for Breast-ovarian cancer, familial, susceptibility to, 1. Last evaluated: 2022-08-26. Review status: no assertion criteria provided. Collection method: clinical testing. Allele origin: germline. Affected: yes. Not counted in ClinVar's aggregate classification.

Research Molecular Genetics Laboratory, Women's College Hospital, University of Toronto
Classification: Pathogenic for Hereditary breast ovarian cancer syndrome. Last evaluated: 2014-01-31. Review status: no assertion criteria provided. Collection method: research. Allele origin: germline. Affected: yes. Study: The Canadian Open Genetics Repository (COGR). Not counted in ClinVar's aggregate classification.

Sharing Clinical Reports Project (SCRP)
Classification: Pathogenic for Breast-ovarian cancer, familial 1. Last evaluated: 2010-05-17. Review status: no assertion criteria provided. Collection method: clinical testing. Allele origin: germline. Not counted in ClinVar's aggregate classification.

Breast Cancer Information Core (BIC) (BRCA1)
Classification: Pathogenic for Breast-ovarian cancer, familial 1. Last evaluated: 2002-05-29. Review status: no assertion criteria provided. Collection method: clinical testing. Allele origin: germline. Affected: yes. Observed: 11 variant alleles. Not counted in ClinVar's aggregate classification.

Literature cited by the submitters: PubMed 20104584 (cited by 4 submitters); PubMed 8644702 (cited by 4 submitters); PubMed 10788334 (cited by Color Diagnostics, LLC DBA Color Health); PubMed 11504767 (cited by 3 submitters); PubMed 14746861 (cited by 5 submitters); PubMed 18465347 (cited by 5 submitters); PubMed 18559594 (cited by 4 submitters); PubMed 23199084 (cited by Color Diagnostics, LLC DBA Color Health and Ambry Genetics); PubMed 24131973 (cited by 4 submitters); PubMed 22010008 (cited by 3 submitters); PubMed 29446198 (cited by Quest Diagnostics Nichols Institute San Juan Capistrano and Laboratory for Molecular Medicine, Mass General Brigham Personalized Medicine); PubMed 33471991 (cited by Quest Diagnostics Nichols Institute San Juan Capistrano); PubMed 31263571 (cited by Quest Diagnostics Nichols Institute San Juan Capistrano); PubMed 31825140 (cited by Quest Diagnostics Nichols Institute San Juan Capistrano); PubMed 29339979 (cited by Quest Diagnostics Nichols Institute San Juan Capistrano and Laboratory for Molecular Medicine, Mass General Brigham Personalized Medicine); PubMed 34981296 (cited by Quest Diagnostics Nichols Institute San Juan Capistrano); PubMed 11389159 (cited by Laboratory for Molecular Medicine, Mass General Brigham Personalized Medicine); PubMed 26833046 (cited by Laboratory for Molecular Medicine, Mass General Brigham Personalized Medicine); PubMed 18779604 (cited by Women's Health and Genetics/Laboratory Corporation of America, LabCorp).